The following is an entry in ClinVar:

NM_004525.3(LRP2):c.13306del (p.Val4435_Val4436insTer)

Gene: LRP2 (LDL receptor related protein 2; minus strand). Cytogenetic location: 2q31.1.
Variant type: Deletion.
Coding change: c.13306del on transcript NM_004525.3 (MANE Select); coding-DNA position 13306, one base deleted (G; older notation c.13306delG).
Protein change: p.Val4435_Val4436insTer.
Molecular consequence: nonsense.
Genome position (GRCh38, 1-based): chr2:169,139,333, C deleted on the plus strand (G on the coding strand, the reverse complement: LRP2 is on the minus strand). VCF-style (leftmost placement, unchanged base first): chr2-169139332-AC-A. GRCh37 (hg19) VCF-style: chr2-169995842-AC-A.
Identifiers: ClinVar variation 2745020 (VCV002745020.3), dbSNP rs2545644526, ClinGen allele CA2697551287.

ClinVar aggregate classification (germline): Pathogenic (1 of 4 stars; one submission).

Submission:

Labcorp Genetics (formerly Invitae), Labcorp
Classification: Pathogenic. Last evaluated: 2023-07-19. Review status: criteria provided, single submitter. Criteria: Invitae Variant Classification Sherloc (09022015). Collection method: clinical testing. Allele origin: germline.
Comment: This sequence change creates a premature translational stop signal (p.Val4436*) in the LRP2 gene. It is expected to result in an absent or disrupted protein product. Loss-of-function variants in LRP2 are known to be pathogenic (PMID: 17632512, 25682901). This variant is not present in population databases (gnomAD no frequency). This variant has not been reported in the literature in individuals affected with LRP2-related conditions. Algorithms developed to predict the effect of sequence changes on RNA splicing suggest that this variant may create or strengthen a splice site. For these reasons, this variant has been classified as Pathogenic.

Literature cited by the submitters: PubMed 17632512; PubMed 25682901.